The following is an entry in ClinVar:

ClinVar aggregate classification (germline): Uncertain significance (1 of 4 stars; one submission).

Submission:

ISCA Site 6
Classification: Uncertain significance. Last evaluated: 2011-08-12. Review status: criteria provided, single submitter. Criteria: Kaminsky et al. (Genet Med. 2011). Collection method: clinical testing. Allele origin: unknown. Affected: yes. Observed: 1 variant allele.
Comment: Copy number variation identified through the course of routine clinical cytogenomic testing in postnatal populations. Clinical assertions have been curated as described in Kaminsky et al. 2011.

GRCh38/hg38 16p13.2(chr16:8831989-9153027)x3

Genes: CARHSP1 (calcium regulated heat stable protein 1; minus strand), CARHSP1-DT (CARHSP1 divergent transcript; plus strand), HAPSTR1 (HUWE1 associated protein modifying stress responses; plus strand), LITAFD (LITAF domain containing; plus strand), PMM2 (phosphomannomutase 2; plus strand) and 37 more. Cytogenetic location: 16p13.2.
Variant type: copy number gain.
Change: copy number 3 (three copies instead of two) of chr16:8,831,989-9,153,027 (321.0 kb, GRCh38 coordinates, 1-based), cytogenetic band 16p13.2.
Identifiers: ClinVar variation 59954 (VCV000059954.2).